The following is an entry in ClinVar:

ClinVar aggregate classification (germline): Uncertain significance (1 of 4 stars; one submission).

Conditions:
Sulfite oxidase deficiency. Also called: Isolated sulfite oxidase deficiency. Identifiers: Orphanet 833, Orphanet 99731, MedGen C0268624, MONDO:0010089, OMIM 272300, HP:0003643.

Allele frequency attached by ClinVar (database versions not stated): gnomAD exomes below 0.00001; gnomAD 0.00001; 1000 Genomes Project 30x 0.00016; 1000 Genomes Project 0.00020.

Submission:

Labcorp Genetics (formerly Invitae), Labcorp
Classification: Uncertain significance for Sulfite oxidase deficiency. Last evaluated: 2022-03-10. Review status: criteria provided, single submitter. Criteria: Invitae Variant Classification Sherloc (09022015). Collection method: clinical testing. Allele origin: germline.
Comment: This sequence change replaces arginine, which is basic and polar, with histidine, which is basic and polar, at codon 269 of the SUOX protein (p.Arg269His). This variant is not present in population databases (gnomAD no frequency). This variant has not been reported in the literature in individuals affected with SUOX-related conditions. Algorithms developed to predict the effect of missense changes on protein structure and function (SIFT, PolyPhen-2, Align-GVGD) all suggest that this variant is likely to be disruptive. In summary, the available evidence is currently insufficient to determine the role of this variant in disease. Therefore, it has been classified as a Variant of Uncertain Significance.

NM_001032386.2(SUOX):c.806G>A (p.Arg269His)

Gene: SUOX (sulfite oxidase; plus strand). Cytogenetic location: 12q13.2.
Variant type: single nucleotide variant.
Coding change: c.806G>A on transcript NM_001032386.2 (MANE Select); coding-DNA position 806, G replaced by A.
Protein change: p.Arg269His; replaces arginine 269 with histidine.
Molecular consequence: missense variant.
Genome position (GRCh38, 1-based): chr12:56,004,195, G>A. VCF-style: chr12-56004195-G-A. GRCh37 (hg19) VCF-style: chr12-56397979-G-A.
Other names: c.806G>A, p.Arg269His (NM_000456.3, NM_001032387.2); short protein forms R269H.
Identifiers: ClinVar variation 2185881 (VCV002185881.1), dbSNP rs575660698, ClinGen allele CA237605215.